The following is an entry in ClinVar:

NM_198999.3(SLC26A5):c.2033_2039dup (p.Ser680fs)

Gene: SLC26A5 (solute carrier family 26 member 5; minus strand). Cytogenetic location: 7q22.1.
Variant type: Duplication.
Coding change: c.2033_2039dup on transcript NM_198999.3 (MANE Select); coding-DNA positions 2033 to 2039, 7 bases duplicated (GATGCAG; older notation c.2033_2039dupGATGCAG).
Protein change: p.Ser680fs; shifts the reading frame from serine 680.
Molecular consequence: frameshift variant. On other transcripts: non-coding transcript variant (5), intron variant (2).
Genome position (GRCh38, 1-based): chr7:103,376,810-103,376,816, CTGCATC duplicated on the plus strand (GATGCAG on the coding strand, the reverse complement: SLC26A5 is on the minus strand); duplicating any 7 consecutive bases within chr7:103,376,810-103,376,820 gives the same sequence; the c. name uses the placement nearest the transcript's 3' end. VCF-style (leftmost placement, unchanged base first): chr7-103376809-A-ACTGCATC. GRCh37 (hg19) VCF-style: chr7-103017256-A-ACTGCATC.
Other names: c.1937_1943dup, p.Ser648fs (NM_001167962.2, NM_001321787.2); c.2033_2039dup, p.Ser680fs (NM_206883.3); c.971+21116_971+21122dup (NM_206885.3); c.1514+12192_1514+12198dup (NM_206884.3); short protein forms S648fs, S680fs.
Identifiers: ClinVar variation 4759802 (VCV004759802.1).
Genomic context (GRCh38, chr7:103,376,809, plus strand): 5'-TAAATAAGAGAAACAAAACTAAAATATTAAGCTTCACCCCATCTTAGAGGTATACTCACC[A>ACTGCATC]CTGCATCCTGCTAAGTATACATATATACCGACGTCTCCATATTCTTTTACAATCTGTAAT-3'

ClinVar aggregate classification (germline): Likely pathogenic (1 of 4 stars; one submission).

Submission:

Labcorp Genetics (formerly Invitae), Labcorp
Classification: Likely pathogenic. Last evaluated: 2025-06-24. Review status: criteria provided, single submitter. Criteria: Invitae Variant Classification Sherloc (09022015). Collection method: clinical testing. Allele origin: germline.
Comment: This sequence change creates a premature translational stop signal (p.Ser680Argfs*9) in the SLC26A5 gene. While this is not anticipated to result in nonsense mediated decay, it is expected to disrupt the last 65 amino acid(s) of the SLC26A5 protein. This variant is present in population databases (no rsID available, gnomAD 0.0009%). This premature translational stop signal has been observed in individual(s) with clinical features of SLC26A5-related conditions (internal data). In at least one individual the data is consistent with being in trans (on the opposite chromosome) from a pathogenic variant. This variant disrupts a region of the SLC26A5 protein in which other variant(s) (p.His704Arg) have been observed in individuals with SLC26A5-related conditions (internal data). This suggests that this is a clinically significant region of the protein, and that variants that disrupt it are likely to be disease-causing. In summary, the currently available evidence indicates that the variant is pathogenic, but additional data are needed to prove that conclusively. Therefore, this variant has been classified as Likely Pathogenic.